The following is an entry in ClinVar:

ClinVar aggregate classification (germline): Uncertain significance (1 of 4 stars; one submission).

Conditions:
Predisposition to invasive fungal disease due to CARD9 deficiency (IMD103). Also called: IMMUNODEFICIENCY 103, SUSCEPTIBILITY TO FUNGAL INFECTIONS; Candidiasis, familial, 2, autosomal recessive; CARD9 IMMUNODEFICIENCY. Identifiers: Orphanet 457088, MedGen C1859353, MONDO:0008905, OMIM 212050.

Submission:

Labcorp Genetics (formerly Invitae), Labcorp
Classification: Uncertain significance for Predisposition to invasive fungal disease due to CARD9 deficiency. Last evaluated: 2022-07-12. Review status: criteria provided, single submitter. Criteria: Invitae Variant Classification Sherloc (09022015). Collection method: clinical testing. Allele origin: germline.
Comment: In summary, the available evidence is currently insufficient to determine the role of this variant in disease. Therefore, it has been classified as a Variant of Uncertain Significance. Algorithms developed to predict the effect of missense changes on protein structure and function output the following: SIFT: "Tolerated"; PolyPhen-2: "Benign"; Align-GVGD: "Class C0". The serine amino acid residue is found in multiple mammalian species, which suggests that this missense change does not adversely affect protein function. ClinVar contains an entry for this variant (Variation ID: 1036323). This variant has not been reported in the literature in individuals affected with CARD9-related conditions. This variant is not present in population databases (gnomAD no frequency). This sequence change replaces leucine, which is neutral and non-polar, with serine, which is neutral and polar, at codon 474 of the CARD9 protein (p.Leu474Ser).

NM_052813.5(CARD9):c.1421T>C (p.Leu474Ser)

Gene: CARD9 (caspase recruitment domain family member 9; minus strand). Cytogenetic location: 9q34.3.
Variant type: single nucleotide variant.
Coding change: c.1421T>C on transcript NM_052813.5 (MANE Select); coding-DNA position 1421, T replaced by C.
Protein change: p.Leu474Ser; replaces leucine 474 with serine.
Molecular consequence: missense variant.
Genome position (GRCh38, 1-based): chr9:136,365,154, A>G on the plus strand (T>C on the coding strand, the complement: CARD9 is on the minus strand). VCF-style: chr9-136365154-A-G. GRCh37 (hg19) VCF-style: chr9-139259606-A-G.
Other names: c.1421T>C, p.Leu474Ser (NM_052814.4); short protein forms L474S.
Identifiers: ClinVar variation 1036323 (VCV001036323.9), dbSNP rs1833090922, ClinGen allele CA375541761.
Genomic context (GRCh38, chr9:136,365,154, plus strand): 5'-ACCCTGAGGCCCACGGCTGGGAGGACCCCACCCCGGGGAAGCCTTACATGGGGGTTCCGC[A>G]AAACCTGCTCCTGGTGCAGAGCTGCAAAGGGCTGTTTCGGGCTCCCCCCGCCGGCAAGGC-3'
Protein context (NP_434700.2, residues 464-484): PFAALHQEQV[Leu474Ser]RNPHDAGLSS